The following continues an entry in ClinVar:

NM_000059.4(BRCA2):c.8915T>G (p.Leu2972Trp)

Gene: BRCA2. ClinVar aggregate classification (germline): Conflicting classifications of pathogenicity. Uncertain significance (9); Likely benign (2).

Submissions 10 to 13 of 13:

Women's Health and Genetics/Laboratory Corporation of America, LabCorp
Classification: Uncertain significance. Last evaluated: 2022-03-14. Review status: criteria provided, single submitter. Criteria: LabCorp Variant Classification Summary - May 2015. Collection method: clinical testing. Allele origin: germline.
Comment: Variant summary: BRCA2 c.8915T>G (p.Leu2972Trp) results in a non-conservative amino acid change in the encoded protein sequence. Five of five in-silico tools predict a damaging effect of the variant on protein function. The variant allele was found at a frequency of 3.2e-05 in 249366 control chromosomes (gnomAD). c.8915T>G has been reported in the literature in individuals affected with breast- and/or ovarian cancer (e.g. Santonocito_2020, Li_2019) and prostate cancer (e.g. Darst_2021). In a recent large study evaluating breast cancer cases and controls in the Breast Cancer Association Consortium (BCAC), the variant was reported in 3/60466 cases, but was also found in 7/53461 controls (Dorling_2021 through LOVD). These report(s) do not provide unequivocal conclusions about association of the variant with Hereditary Breast and Ovarian Cancer Syndrome. Publications reported experimental evidence evaluating an impact on protein function, and demonstrated that the variant had a partial effect on homology directed DNA repair activity (Guidugli_2018), but resulted in filamin A binding activity to the wild-type(Mondal_2012). Four ClinVar submitters have assessed the variant since 2014: all four classified the variant as of uncertain significance. Based on the evidence outlined above, the variant was classified as uncertain significance.

GeneDx
Classification: Uncertain significance. Last evaluated: 2015-07-13. Review status: criteria provided, single submitter. Criteria: GeneDx Variant Classification (06012015). Collection method: clinical testing. Allele origin: germline. Affected: yes.
Comment: This variant is denoted BRCA2 c.8915T>G at the cDNA level, p.Leu2972Trp (L2972W) at the protein level, and results in the change of a Leucine to a Tryptophan (TTG>TGG). Using alternate nomenclature, this variant would be defined as BRCA2 9143T>G. This variant has been included in one functional study where it was determined not to influence the interaction with Filamin A (Mondal 2012). BRCA2 Leu2972Trp was not observed at a significant allele frequency in the NHLBI Exome Sequencing Project. Since Leucine and Tryptophan differ in some properties, this is considered a semi-conservative amino acid substitution. BRCA2 Leu2972Trp occurs at a position where amino acids with properties similar to Leucine are tolerated across species and is located within the DNA binding domain (Borg 2010). Both in house in silico analyses and published computational models predict that this variant is probably damaging to protein structure and function (Karchin 2008). Based on currently available information, it is unclear whether BRCA2 Leu2972Trp is pathogenic or benign. We consider it to be a variant of uncertain significance.

BRCAlab, Lund University
Classification: Uncertain significance for Breast-ovarian cancer, familial, susceptibility to, 2. Last evaluated: 2020-03-02. Review status: no assertion criteria provided. Collection method: clinical testing. Allele origin: germline. Affected: yes. Not counted in ClinVar's aggregate classification.

Breast Cancer Information Core (BIC) (BRCA2)
Classification: Uncertain significance for Breast-ovarian cancer, familial 2. Last evaluated: 2001-01-17. Review status: no assertion criteria provided. Collection method: clinical testing. Allele origin: germline. Affected: yes. Observed: 1 variant allele. Not counted in ClinVar's aggregate classification.

Literature cited by the submitters: PubMed 29752822 (cited by 7 submitters); PubMed 32438681 (cited by 6 submitters); PubMed 32853339 (cited by 6 submitters); PubMed 22771033 (cited by 3 submitters); PubMed 29394989 (cited by 5 submitters); PubMed 29884841 (cited by Color Diagnostics, LLC DBA Color Health); PubMed 31853058 (cited by Color Diagnostics, LLC DBA Color Health); PubMed 32444794 (cited by Color Diagnostics, LLC DBA Color Health and All of Us Research Program, National Institutes of Health); PubMed 33471991 (cited by 3 submitters); PubMed 35736817 (cited by 3 submitters); PubMed 39779848 (cited by Color Diagnostics, LLC DBA Color Health); PubMed 39779857 (cited by Color Diagnostics, LLC DBA Color Health); PubMed 19043619 (cited by Ambry Genetics and Quest Diagnostics Nichols Institute San Juan Capistrano); PubMed 38417439 (cited by Department of Clinical Genetics, Copenhagen University Hospital, Rigshospitalet); PubMed 31227342 (cited by Quest Diagnostics Nichols Institute San Juan Capistrano and Women's Health and Genetics/Laboratory Corporation of America, LabCorp).